The following is an entry in ClinVar:

ClinVar aggregate classification (germline): Uncertain significance (1 of 4 stars; one submission).

Conditions:
Cardiovascular phenotype. Identifiers: MedGen CN230736.

gnomAD v4.1: 1 of 1,614,042 alleles (0.000062%); highest among the groups gnomAD compares: Non-Finnish European, 0.000085%; no homozygotes.

Submission:

Ambry Genetics
Classification: Uncertain significance for Cardiovascular phenotype. Last evaluated: 2025-04-02. Review status: criteria provided, single submitter. Criteria: Ambry Variant Classification Scheme 2023. Collection method: clinical testing. Allele origin: germline.
Comment: The p.D2467G variant (also known as c.7400A>G), located in coding exon 38 of the ANK2 gene, results from an A to G substitution at nucleotide position 7400. The aspartic acid at codon 2467 is replaced by glycine, an amino acid with similar properties. This amino acid position is conserved. In addition, this alteration is predicted to be deleterious by in silico analysis. Based on the available evidence, the clinical significance of this variant remains unclear.

NM_001148.6(ANK2):c.7400A>G (p.Asp2467Gly)

Genes: ANK2 (ankyrin 2; plus strand), LOC126807137 (CDK7 strongly-dependent group 2 enhancer GRCh37_chr4:114276560-114277759; plus strand). Cytogenetic location: 4q26.
Variant type: single nucleotide variant.
Coding change: c.7400A>G on transcript NM_001148.6 (MANE Select); coding-DNA position 7400, A replaced by G.
Protein change: p.Asp2467Gly; replaces aspartic acid 2467 with glycine.
Molecular consequence: missense variant. On other transcripts: intron variant (68).
Genome position (GRCh38, 1-based): chr4:113,356,018, A>G. VCF-style: chr4-113356018-A-G. GRCh37 (hg19) VCF-style: chr4-114277174-A-G.
Other names: c.7166A>G, p.Asp2389Gly (NM_001386142.1); c.3800A>G, p.Asp1267Gly (NM_001386166.1); c.7541A>G, p.Asp2514Gly (NM_001386174.1); c.7517A>G, p.Asp2506Gly (NM_001386175.1); c.4412-4805A>G (NM_001386186.2, NM_001386148.2); c.4214-4805A>G (NM_001354269.3); c.4292-4805A>G (NM_001386187.2); c.4253-4805A>G (NM_001386147.1); and 35 more; short protein forms D2514G, D2389G, D2467G, D1267G, D2506G.
Identifiers: ClinVar variation 4050880 (VCV004050880.1).